The following is an entry in ClinVar:

ClinVar aggregate classification (germline): Uncertain significance. Review status: criteria provided, multiple submitters, no conflicts (2 of 4 stars). 2 submissions from 2 submitters: Uncertain significance (2). Last evaluated 2024-12-19.

Conditions:
Autosomal recessive early-onset Parkinson disease 23. Identifiers: Orphanet 2828, MedGen C4225186, MONDO:0014796, OMIM 616840.

Allele frequency attached by ClinVar (database versions not stated): gnomAD exomes 0.00004 and 0.00013; TOPMed 0.00005; gnomAD 0.00006 and 0.00007; ExAC 0.00017; 1000 Genomes Project 30x 0.00031; 1000 Genomes Project 0.00040.
gnomAD v4.1: 78 of 1,613,922 alleles (0.0048%); highest among the groups gnomAD compares: East Asian, 0.069%; no homozygotes.

Submissions (2):

Genomic Medicine Center of Excellence, King Faisal Specialist Hospital and Research Centre
Classification: Uncertain significance for Autosomal recessive early-onset Parkinson disease 23. Last evaluated: 2024-12-19. Review status: criteria provided, single submitter. Criteria: ACMG Guidelines, 2015. Collection method: clinical testing. Allele origin: germline.

Labcorp Genetics (formerly Invitae), Labcorp
Classification: Uncertain significance. Last evaluated: 2022-04-12. Review status: criteria provided, single submitter. Criteria: Invitae Variant Classification Sherloc (09022015). Collection method: clinical testing. Allele origin: germline.
Comment: This sequence change replaces arginine, which is basic and polar, with cysteine, which is neutral and slightly polar, at codon 3058 of the VPS13C protein (p.Arg3058Cys). This variant is present in population databases (rs114345245, gnomAD 0.1%). This variant has not been reported in the literature in individuals affected with VPS13C-related conditions. Algorithms developed to predict the effect of missense changes on protein structure and function (SIFT, PolyPhen-2, Align-GVGD) all suggest that this variant is likely to be disruptive. In summary, the available evidence is currently insufficient to determine the role of this variant in disease. Therefore, it has been classified as a Variant of Uncertain Significance.

NM_020821.3(VPS13C):c.9172C>T (p.Arg3058Cys)

Gene: VPS13C (vacuolar protein sorting 13 homolog C; minus strand). Cytogenetic location: 15q22.2.
Variant type: single nucleotide variant.
Coding change: c.9172C>T on transcript NM_020821.3 (MANE Select); coding-DNA position 9172, C replaced by T.
Protein change: p.Arg3058Cys; replaces arginine 3058 with cysteine.
Molecular consequence: missense variant.
Genome position (GRCh38, 1-based): chr15:61,890,334, G>A on the plus strand (C>T on the coding strand, the complement: VPS13C is on the minus strand). VCF-style: chr15-61890334-G-A. GRCh37 (hg19) VCF-style: chr15-62182533-G-A.
Other names: c.9172C>T, p.Arg3058Cys (NM_001018088.3); c.9043C>T, p.Arg3015Cys (NM_017684.5, NM_018080.4); short protein forms R3015C, R3058C.
Identifiers: ClinVar variation 1506898 (VCV001506898.5), dbSNP rs114345245, ClinGen allele CA7594718.